The following is an entry in ClinVar:

NM_018127.7(ELAC2):c.433G>A (p.Glu145Lys)

Gene: ELAC2 (elaC ribonuclease Z 2; minus strand). Cytogenetic location: 17p12.
Variant type: single nucleotide variant.
Coding change: c.433G>A on transcript NM_018127.7 (MANE Select); coding-DNA position 433, G replaced by A.
Protein change: p.Glu145Lys; replaces glutamic acid 145 with lysine.
Molecular consequence: missense variant.
Genome position (GRCh38, 1-based): chr17:13,014,496, C>T on the plus strand (G>A on the coding strand, the complement: ELAC2 is on the minus strand). VCF-style: chr17-13014496-C-T. GRCh37 (hg19) VCF-style: chr17-12917813-C-T.
Other names: c.433G>A, p.Glu145Lys (NM_001165962.2, NM_173717.2); short protein forms E145K.
Identifiers: ClinVar variation 2143742 (VCV002143742.3), dbSNP rs1339770063, ClinGen allele CA398218094.

ClinVar aggregate classification (germline): Uncertain significance (1 of 4 stars; one submission).

Conditions:
Combined oxidative phosphorylation defect type 17. Also called: Combined oxidative phosphorylation deficiency 17. Identifiers: Orphanet 369913, MedGen C3809526, MONDO:0014190, OMIM 615440.

Allele frequency attached by ClinVar (database versions not stated): gnomAD exomes below 0.00001; TOPMed below 0.00001; gnomAD 0.00001.
gnomAD v4.1: 3 of 1,611,846 alleles (0.00019%); highest among the groups gnomAD compares: Non-Finnish European, 0.00025%; no homozygotes.

Submission:

Labcorp Genetics (formerly Invitae), Labcorp
Classification: Uncertain significance for Combined oxidative phosphorylation defect type 17. Last evaluated: 2022-03-26. Review status: criteria provided, single submitter. Criteria: Invitae Variant Classification Sherloc (09022015). Collection method: clinical testing. Allele origin: germline.
Comment: This sequence change replaces glutamic acid, which is acidic and polar, with lysine, which is basic and polar, at codon 145 of the ELAC2 protein (p.Glu145Lys). This variant is present in population databases (no rsID available, gnomAD 0.0009%). This variant has not been reported in the literature in individuals affected with ELAC2-related conditions. Algorithms developed to predict the effect of missense changes on protein structure and function (SIFT, PolyPhen-2, Align-GVGD) all suggest that this variant is likely to be tolerated. In summary, the available evidence is currently insufficient to determine the role of this variant in disease. Therefore, it has been classified as a Variant of Uncertain Significance.